The following is an entry in ClinVar:

ClinVar aggregate classification (germline): Uncertain significance (1 of 4 stars; one submission).

Conditions:
Combined immunodeficiency due to DOCK8 deficiency (HIES2). Also called: HIES autosomal recessive; Hyper-IgE recurrent infection syndrome, autosomal recessive; DOCK8 Deficiency; HYPER-IgE RECURRENT INFECTION SYNDROME 2, AUTOSOMAL RECESSIVE; HYPER-IgE SYNDROME 2, AUTOSOMAL RECESSIVE, WITH RECURRENT INFECTIONS. Identifiers: Orphanet 217390, MedGen C4722305, MONDO:0009478, OMIM 243700.

Submission:

Labcorp Genetics (formerly Invitae), Labcorp
Classification: Uncertain significance for Combined immunodeficiency due to DOCK8 deficiency. Last evaluated: 2022-03-26. Review status: criteria provided, single submitter. Criteria: Invitae Variant Classification Sherloc (09022015). Collection method: clinical testing. Allele origin: germline.
Comment: This variant results in a copy number gain of the genomic region encompassing exon(s) 11-48 of the DOCK8 gene. This region includes the termination codon of the gene. This copy number gain extends beyond the assayed region for this gene and therefore may encompass additional genes. As the precise location of this event is unknown, it may be in tandem or it may be located elsewhere in the genome. This variant has not been reported in the literature in individuals affected with DOCK8-related conditions. Experimental studies and prediction algorithms are not available or were not evaluated, and the functional significance of this variant is currently unknown. In summary, the available evidence is currently insufficient to determine the role of this variant in disease. Therefore, it has been classified as a Variant of Uncertain Significance.

NC_000009.11:g.(?_334205)_(464219_?)dup

Gene: DOCK8 (dedicator of cytokinesis 8; plus strand). Cytogenetic location: 9p24.3.
Variant type: Duplication.
Identifiers: ClinVar variation 2427712 (VCV002427712.7).